The following is an entry in ClinVar:

NM_000531.6(OTC):c.599T>C (p.Ile200Thr)

Gene: OTC (ornithine transcarbamylase; plus strand). Cytogenetic location: Xp11.4.
Variant type: single nucleotide variant.
Coding change: c.599T>C on transcript NM_000531.6 (MANE Select); coding-DNA position 599, T replaced by C.
Protein change: p.Ile200Thr; replaces isoleucine 200 with threonine.
Molecular consequence: missense variant.
Genome position (GRCh38, 1-based): chrX:38,403,676, T>C. VCF-style: chrX-38403676-T-C. GRCh37 (hg19) VCF-style: chrX-38262929-T-C.
Other names: c.599T>C, p.Ile200Thr (NM_001407092.1); short protein forms I200T.
Identifiers: ClinVar variation 4758844 (VCV004758844.1).
Genomic context (GRCh38, chrX:38,403,676, plus strand): 5'-AGGAACACTATAGCTCTCTGAAAGGTCTTACCCTCAGCTGGATCGGGGATGGGAACAATA[T>C]CCTGCACTCCATCATGATGAGCGCAGCGAAATTCGGAATGCACCTTCAGGCAGCTACTCC-3'
Protein context (NP_000522.3, residues 190-210): TLSWIGDGNN[Ile200Thr]LHSIMMSAAK

ClinVar aggregate classification (germline): Uncertain significance (1 of 4 stars; one submission).

Conditions:
Ornithine carbamoyltransferase deficiency (OTCD). Also called: ORNITHINE TRANSCARBAMYLASE DEFICIENCY; ORNITHINE TRANSCARBAMYLASE DEFICIENCY, HYPERAMMONEMIA DUE TO; OTC DEFICIENCY; Ornithine Carbamoyltransferase Deficiency Disease. Identifiers: Orphanet 664, MedGen C0268542, MONDO:0010703, OMIM 311250.

gnomAD v4.1: 1 of 1,207,352 alleles (0.000083%); highest among the groups gnomAD compares: Non-Finnish European, 0.00011%; no homozygotes.

Submission:

Color Diagnostics, LLC DBA Color Health
Classification: Uncertain significance for Ornithine carbamoyltransferase deficiency. Last evaluated: 2025-06-30. Review status: criteria provided, single submitter. Criteria: ACMG Guidelines, 2015. Collection method: clinical testing. Allele origin: germline.
Comment: This missense variant replaces isoleucine with threonine at codon 200 of the OTC protein. Computational prediction suggests that this variant may have deleterious impact on protein structure and function. To our knowledge, functional studies have not been reported for this variant. This variant has not been reported in individuals affected with OTC-related disorders in the literature. This variant has not been identified in the general population by the Genome Aggregation Database (gnomAD). The available evidence is insufficient to determine the role of this variant in disease conclusively. Therefore, this variant is classified as a Variant of Uncertain Significance.